The following is an entry in ClinVar:

NM_033453.4(ITPA):c.411+95G>A

Genes: ITPA (inosine triphosphatase; plus strand), LOC130065322 (ATAC-STARR-seq lymphoblastoid silent region 12615; plus strand). Cytogenetic location: 20p13.
Variant type: single nucleotide variant.
Coding change: c.411+95G>A on transcript NM_033453.4 (MANE Select); 95 bases into the intron after coding-DNA position 411, G replaced by A.
Molecular consequence: intron variant.
Genome position (GRCh38, 1-based): chr20:3,218,727, G>A. VCF-style: chr20-3218727-G-A. GRCh37 (hg19) VCF-style: chr20-3199373-G-A.
Other names: c.74+95G>A (NM_001324237.2, NM_001324238.2, NM_001324236.2 and 1 more transcripts); c.411+95G>A (NM_001324240.2); c.288+95G>A (NM_001267623.2); c.360+95G>A (NM_181493.4).
Identifiers: ClinVar variation 1222117 (VCV001222117.6), dbSNP rs2422861, ClinGen allele CA14803804.
Genomic context (GRCh38, chr20:3,218,727, plus strand): 5'-GCCGCCAGGGGGTGCCGCGACCCGAGCCGACCGCCCCGAGTCTGCGGGAGGGTGGTGGGA[G>A]GGGCGCCTTGGGGCCAGAGATATCTGTGCCTTGCTGAGAGGCTCCCCTGCGCAGCATAGG-3'

ClinVar aggregate classification (germline): Benign. Review status: criteria provided, multiple submitters, no conflicts (2 of 4 stars). 3 submissions from 3 submitters: Benign (3). Last evaluated 2024-07-15.

Allele frequency attached by ClinVar (database versions not stated): gnomAD exomes 0.86774; gnomAD 0.88921 and 0.88979; TOPMed 0.89823; 1000 Genomes Project 30x 0.93520; 1000 Genomes Project 0.93590.
gnomAD v4.1: 812,560 of 932,454 alleles (87%); highest among the groups gnomAD compares: East Asian, 100%; 354,686 homozygotes.

Submissions (3):

Unidad de Genómica Garrahan, Hospital de Pediatría Garrahan
Classification: Benign. Last evaluated: 2024-07-15. Review status: criteria provided, single submitter. Criteria: ACMG Guidelines, 2015. Collection method: clinical testing. Allele origin: germline. Affected: no. Observed: 87 variant alleles.
Comment: This variant is classified as Benign based on local population frequency. This variant was detected in 94% of patients studied in a panel designed for Epileptic and Developmental Encephalopathy and Progressive Myoclonus Epilepsy. Number of patients: 87. Only high quality variants are reported.

GeneDx
Classification: Benign. Last evaluated: 2021-05-12. Review status: criteria provided, single submitter. Criteria: GeneDx Variant Classification Process June 2021. Collection method: clinical testing. Allele origin: germline. Affected: yes.

Breakthrough Genomics
Classification: Benign. Review status: criteria provided, single submitter. Criteria: ACMG Guidelines, 2015. Collection method: not provided. Allele origin: germline. Inheritance: Autosomal recessive inheritance. Affected: yes.